The following is an entry in ClinVar:

NM_017534.6(MYH2):c.4424C>A (p.Ala1475Asp)

Genes: MYH2 (myosin heavy chain 2; minus strand), MYHAS (myosin heavy chain gene cluster antisense RNA; plus strand), LOC126862500 (BRD4-independent group 4 enhancer GRCh37_chr17:10427829-10429028; plus strand). Cytogenetic location: 17p13.1.
Variant type: single nucleotide variant.
Coding change: c.4424C>A on transcript NM_017534.6 (MANE Select); coding-DNA position 4424, C replaced by A.
Protein change: p.Ala1475Asp; replaces alanine 1475 with aspartic acid.
Molecular consequence: missense variant.
Genome position (GRCh38, 1-based): chr17:10,525,564, G>T on the plus strand (C>A on the coding strand, the complement: MYH2 is on the minus strand). VCF-style: chr17-10525564-G-T. GRCh37 (hg19) VCF-style: chr17-10428881-G-T.
Other names: c.4424C>A, p.Ala1475Asp (NM_001100112.2); short protein forms A1475D.
Identifiers: ClinVar variation 1307363 (VCV001307363.25), dbSNP rs938120515, ClinGen allele CA287737027.

ClinVar aggregate classification (germline): Uncertain significance. Review status: criteria provided, multiple submitters, no conflicts (2 of 4 stars). 3 submissions from 3 submitters: Uncertain significance (3). Last evaluated 2024-04-01.

Conditions:
Myopathy, proximal, and ophthalmoplegia (CMYO6). Also called: MYOPATHY WITH CONGENITAL JOINT CONTRACTURES, OPHTHALMOPLEGIA, AND RIMMED VACUOLES; CONGENITAL MYOPATHY 6 WITH OPHTHALMOPLEGIA; INCLUSION BODY MYOPATHY 3, AUTOSOMAL DOMINANT. Identifiers: Orphanet 363677, Orphanet 79091, MedGen C1854106, MONDO:0011577, OMIM 605637.

Allele frequency attached by ClinVar (database versions not stated): gnomAD 0.00001.
gnomAD v4.1: 16 of 1,614,032 alleles (0.00099%); highest among the groups gnomAD compares: Non-Finnish European, 0.0014%; no homozygotes.

Submissions (3):

CeGaT Center for Human Genetics Tuebingen
Classification: Uncertain significance. Last evaluated: 2024-04-01. Review status: criteria provided, single submitter. Criteria: CeGaT Center For Human Genetics Tuebingen Variant Classification Criteria Version 2. Collection method: clinical testing. Allele origin: germline. Affected: yes. Observed: 1 variant allele.
Comment: MYH2: PM2

Labcorp Genetics (formerly Invitae), Labcorp
Classification: Uncertain significance for Myopathy, proximal, and ophthalmoplegia. Last evaluated: 2023-05-19. Review status: criteria provided, single submitter. Criteria: Invitae Variant Classification Sherloc (09022015). Collection method: clinical testing. Allele origin: germline.
Comment: This sequence change replaces alanine, which is neutral and non-polar, with aspartic acid, which is acidic and polar, at codon 1475 of the MYH2 protein (p.Ala1475Asp). This variant is not present in population databases (gnomAD no frequency). This variant has not been reported in the literature in individuals affected with MYH2-related conditions. ClinVar contains an entry for this variant (Variation ID: 1307363). Advanced modeling of protein sequence and biophysical properties (such as structural, functional, and spatial information, amino acid conservation, physicochemical variation, residue mobility, and thermodynamic stability) performed at Invitae indicates that this missense variant is not expected to disrupt MYH2 protein function. In summary, the available evidence is currently insufficient to determine the role of this variant in disease. Therefore, it has been classified as a Variant of Uncertain Significance.

GeneDx
Classification: Uncertain significance. Last evaluated: 2019-07-26. Review status: criteria provided, single submitter. Criteria: GeneDx Variant Classification Process June 2021. Collection method: clinical testing. Allele origin: germline. Affected: yes.
Comment: Not observed in large population cohorts (Lek et al., 2016); In silico analysis, which includes protein predictors and evolutionary conservation, supports a deleterious effect; Has not been previously published as pathogenic or benign to our knowledge